The following is an entry in ClinVar:

ClinVar aggregate classification (germline): Uncertain significance (1 of 4 stars; one submission).

Submission:

Labcorp Genetics (formerly Invitae), Labcorp
Classification: Uncertain significance. Last evaluated: 2023-12-11. Review status: criteria provided, single submitter. Criteria: Invitae Variant Classification Sherloc (09022015). Collection method: clinical testing. Allele origin: germline.
Comment: This sequence change replaces leucine, which is neutral and non-polar, with methionine, which is neutral and non-polar, at codon 223 of the PCARE protein (p.Leu223Met). This variant is not present in population databases (gnomAD no frequency). This variant has not been reported in the literature in individuals affected with PCARE-related conditions. ClinVar contains an entry for this variant (Variation ID: 1052239). Algorithms developed to predict the effect of missense changes on protein structure and function output the following: SIFT: "Not Available"; PolyPhen-2: "Possibly Damaging"; Align-GVGD: "Not Available". The methionine amino acid residue is found in multiple mammalian species, which suggests that this missense change does not adversely affect protein function. In summary, the available evidence is currently insufficient to determine the role of this variant in disease. Therefore, it has been classified as a Variant of Uncertain Significance.

NM_001029883.3(PCARE):c.667C>A (p.Leu223Met)

Gene: PCARE (photoreceptor cilium actin regulator; minus strand). Cytogenetic location: 2p23.2.
Variant type: single nucleotide variant.
Coding change: c.667C>A on transcript NM_001029883.3 (MANE Select); coding-DNA position 667, C replaced by A.
Protein change: p.Leu223Met; replaces leucine 223 with methionine.
Molecular consequence: missense variant.
Genome position (GRCh38, 1-based): chr2:29,073,595, G>T on the plus strand (C>A on the coding strand, the complement: PCARE is on the minus strand). VCF-style: chr2-29073595-G-T. GRCh37 (hg19) VCF-style: chr2-29296461-G-T.
Other names: short protein forms L223M.
Identifiers: ClinVar variation 1052239 (VCV001052239.9), dbSNP rs372323929, ClinGen allele CA346481799.